The following is an entry in ClinVar:

NM_001367561.1(DOCK7):c.988A>G (p.Ile330Val)

Gene: DOCK7 (dedicator of cytokinesis 7; minus strand). Cytogenetic location: 1p31.3.
Variant type: single nucleotide variant.
Coding change: c.988A>G on transcript NM_001367561.1 (MANE Select); coding-DNA position 988, A replaced by G.
Protein change: p.Ile330Val; replaces isoleucine 330 with valine.
Molecular consequence: missense variant.
Genome position (GRCh38, 1-based): chr1:62,634,820, T>C on the plus strand (A>G on the coding strand, the complement: DOCK7 is on the minus strand). VCF-style: chr1-62634820-T-C. GRCh37 (hg19) VCF-style: chr1-63100491-T-C.
Other names: c.988A>G (NM_033407.2); c.988A>G, p.Ile330Val (NM_001271999.2, NM_001272000.2, NM_001272001.2 and 3 more transcripts); short protein forms I330V.
Identifiers: ClinVar variation 475174 (VCV000475174.11), dbSNP rs143611920, ClinGen allele CA887064.
Genomic context (GRCh38, chr1:62,634,820, plus strand): 5'-ACATTATTCTCACCTTTATTACAAGAAAAACATCTTGGGAAGGATAAGTGATAGAAAAAA[T>C]TGCTGATCTTGCCAGGGTAGTAATGGCAGCAGGTGGTACATGTGGACGTAACAACCCTTT-3'
Protein context (NP_001354490.1, residues 320-340): AAITTLARSA[Ile330Val]FSITYPSQDV

ClinVar aggregate classification (germline): Uncertain significance. Review status: criteria provided, multiple submitters, no conflicts (2 of 4 stars). 2 submissions from 2 submitters: Uncertain significance (2). Last evaluated 2025-09-02.

Conditions:
Developmental and epileptic encephalopathy, 23 (DEE23). Also called: Epileptic encephalopathy, early infantile, 23. Identifiers: Orphanet 411986, MedGen C4014492, MONDO:0014371, OMIM 615859.
Inborn genetic diseases. Identifiers: MedGen C0950123, MeSH D030342.

Allele frequency attached by ClinVar (database versions not stated): gnomAD exomes 0.00001 and 0.00002; ExAC 0.00002; ESP Exome Variant Server 0.00008; TOPMed 0.00008; gnomAD 0.00009 and 0.00010.
gnomAD v4.1: 33 of 1,613,196 alleles (0.002%); highest among the groups gnomAD compares: African/African-American, 0.032%; no homozygotes.

Submissions (2):

Labcorp Genetics (formerly Invitae), Labcorp
Classification: Uncertain significance for Developmental and epileptic encephalopathy, 23. Last evaluated: 2025-09-02. Review status: criteria provided, single submitter. Criteria: Invitae Variant Classification Sherloc (09022015). Collection method: clinical testing. Allele origin: germline.
Comment: This sequence change replaces isoleucine, which is neutral and non-polar, with valine, which is neutral and non-polar, at codon 330 of the DOCK7 protein (p.Ile330Val). This variant is present in population databases (rs143611920, gnomAD 0.04%). This variant has not been reported in the literature in individuals affected with DOCK7-related conditions. ClinVar contains an entry for this variant (Variation ID: 475174). An algorithm developed to predict the effect of missense changes on protein structure and function (PolyPhen-2) suggests that this variant is likely to be tolerated. In summary, the available evidence is currently insufficient to determine the role of this variant in disease. Therefore, it has been classified as a Variant of Uncertain Significance.

Ambry Genetics
Classification: Uncertain significance for Inborn genetic diseases. Last evaluated: 2024-05-02. Review status: criteria provided, single submitter. Criteria: Ambry Variant Classification Scheme 2023. Collection method: clinical testing. Allele origin: germline.